The following is an entry in ClinVar:

ClinVar aggregate classification (germline): Conflicting classifications of pathogenicity. Review status: criteria provided, conflicting classifications (1 of 4 stars). 4 submissions from 4 submitters: Uncertain significance (1); Benign (1); Likely benign (2). Last evaluated 2026-01-25.

Conditions:
Cerebral arteriopathy, autosomal dominant, with subcortical infarcts and leukoencephalopathy, type 1 (CADASIL1). Also called: DEMENTIA, HEREDITARY MULTIINFARCT TYPE; CADASIL 1; CASIL; Cerebral arteriopathy with subcortical infarcts and leukoencephalopathy 1. Identifiers: Orphanet 136, MedGen C4551768, MONDO:0000914, OMIM 125310.

Allele frequency attached by ClinVar (database versions not stated): TOPMed 0.00015; 1000 Genomes Project 30x 0.00125.

Submissions (4):

Labcorp Genetics (formerly Invitae), Labcorp
Classification: Likely benign. Last evaluated: 2026-01-25. Review status: criteria provided, single submitter. Criteria: Invitae Variant Classification Sherloc (09022015). Collection method: clinical testing. Allele origin: germline.

Blueprint Genetics
Classification: Likely benign. Last evaluated: 2024-08-26. Review status: criteria provided, single submitter. Criteria: ACMG Guidelines, 2015. Collection method: clinical testing. Allele origin: germline.

Athena Diagnostics
Classification: Benign. Last evaluated: 2021-05-21. Review status: criteria provided, single submitter. Criteria: Athena Diagnostics criteria. Collection method: clinical testing. Allele origin: unknown.

Illumina Laboratory Services, Illumina
Classification: Uncertain significance for Cerebral arteriopathy, autosomal dominant, with subcortical infarcts and leukoencephalopathy, type 1. Last evaluated: 2017-04-27. Review status: criteria provided, single submitter. Criteria: ICSL Variant Classification Criteria 13 December 2019. Collection method: clinical testing. Allele origin: germline.
Comment: This variant was observed as part of a predisposition screen in an ostensibly healthy population. A literature search was performed for the gene, cDNA change, and amino acid change (where applicable). Publications were found based on this search. However, the evidence from the literature, in combination with allele frequency data from public databases where available, was not sufficient to rule this variant in or out of causing disease. Therefore, this variant is classified as a variant of unknown significance.

Literature cited by the submitters: PubMed 33942994 (cited by Athena Diagnostics); PubMed 27890607 (cited by Athena Diagnostics); PubMed 33109952 (cited by Athena Diagnostics); PubMed 30031255 (cited by Athena Diagnostics); PubMed 25834748 (cited by Athena Diagnostics and Illumina Laboratory Services, Illumina).

NM_000435.3(NOTCH3):c.4039G>C (p.Gly1347Arg)

Gene: NOTCH3 (notch receptor 3; minus strand). Cytogenetic location: 19p13.12.
Variant type: single nucleotide variant.
Coding change: c.4039G>C on transcript NM_000435.3 (MANE Select); coding-DNA position 4039, G replaced by C.
Protein change: p.Gly1347Arg; replaces glycine 1347 with arginine.
Molecular consequence: missense variant.
Genome position (GRCh38, 1-based): chr19:15,177,889, C>G on the plus strand (G>C on the coding strand, the complement: NOTCH3 is on the minus strand). VCF-style: chr19-15177889-C-G. GRCh37 (hg19) VCF-style: chr19-15288700-C-G.
Other names: short protein forms G1347R.
Identifiers: ClinVar variation 889617 (VCV000889617.14), dbSNP rs1344432803, ClinGen allele CA404505265.